The following is an entry in ClinVar:

NM_018297.4(NGLY1):c.818G>C (p.Trp273Ser)

Gene: NGLY1 (N-glycanase 1; minus strand). Cytogenetic location: 3p24.2.
Variant type: single nucleotide variant.
Coding change: c.818G>C on transcript NM_018297.4 (MANE Select); coding-DNA position 818, G replaced by C.
Protein change: p.Trp273Ser; replaces tryptophan 273 with serine.
Molecular consequence: missense variant.
Genome position (GRCh38, 1-based): chr3:25,739,640, C>G on the plus strand (G>C on the coding strand, the complement: NGLY1 is on the minus strand). VCF-style: chr3-25739640-C-G. GRCh37 (hg19) VCF-style: chr3-25781131-C-G.
Other names: c.818G>C, p.Trp273Ser (NM_001145293.2, NM_001145295.2); c.692G>C, p.Trp231Ser (NM_001145294.2); short protein forms W231S, W273S.
Identifiers: ClinVar variation 541262 (VCV000541262.9), dbSNP rs202027326, ClinGen allele CA2289376.

ClinVar aggregate classification (germline): Uncertain significance. Review status: criteria provided, multiple submitters, no conflicts (2 of 4 stars). 2 submissions from 2 submitters: Uncertain significance (2). Last evaluated 2025-09-30.

Conditions:
Congenital disorder of deglycosylation (CDDG). Identifiers: MedGen C3808991, MONDO:0031376.

Allele frequency attached by ClinVar (database versions not stated): ExAC 0.00012; gnomAD 0.00006; ESP Exome Variant Server 0.00023; TOPMed 0.00005.
gnomAD v4.1: 156 of 1,614,004 alleles (0.0097%); highest among the groups gnomAD compares: Non-Finnish European, 0.012%; no homozygotes.

Submissions (2):

GeneDx
Classification: Uncertain significance. Last evaluated: 2025-09-30. Review status: criteria provided, single submitter. Criteria: GeneDx Variant Classification Process June 2021. Collection method: clinical testing. Allele origin: germline. Affected: yes.
Comment: In silico analysis supports that this missense variant has a deleterious effect on protein structure/function; Has not been previously published as pathogenic or benign to our knowledge

Labcorp Genetics (formerly Invitae), Labcorp
Classification: Uncertain significance for Congenital disorder of deglycosylation. Last evaluated: 2022-09-01. Review status: criteria provided, single submitter. Criteria: Invitae Variant Classification Sherloc (09022015). Collection method: clinical testing. Allele origin: germline.
Comment: This sequence change replaces tryptophan, which is neutral and slightly polar, with serine, which is neutral and polar, at codon 273 of the NGLY1 protein (p.Trp273Ser). This variant is present in population databases (rs202027326, gnomAD 0.02%). This variant has not been reported in the literature in individuals affected with NGLY1-related conditions. ClinVar contains an entry for this variant (Variation ID: 541262). Algorithms developed to predict the effect of missense changes on protein structure and function are either unavailable or do not agree on the potential impact of this missense change (SIFT: "Tolerated"; PolyPhen-2: "Probably Damaging"; Align-GVGD: "Class C0"). In summary, the available evidence is currently insufficient to determine the role of this variant in disease. Therefore, it has been classified as a Variant of Uncertain Significance.